The following is an entry in ClinVar:

ClinVar aggregate classification (germline): Pathogenic (1 of 4 stars; one submission).

Conditions:
Bardet-Biedl syndrome (BBS). Identifiers: Orphanet 110, MedGen C0752166, MONDO:0015229.

Submission:

Labcorp Genetics (formerly Invitae), Labcorp
Classification: Pathogenic for Bardet-Biedl syndrome. Last evaluated: 2019-03-14. Review status: criteria provided, single submitter. Criteria: Invitae Variant Classification Sherloc (09022015). Collection method: clinical testing. Allele origin: germline.
Comment: This sequence change creates a premature translational stop signal (p.Ala406Glnfs*65) in the BBS1 gene. It is expected to result in an absent or disrupted protein product. This variant has not been reported in the literature in individuals with BBS1-related conditions. Loss-of-function variants in BBS1 are known to be pathogenic (PMID: 12118255). For these reasons, this variant has been classified as Pathogenic.

NM_024649.4:c.1214_1215insAlu

Gene: BBS1 (Bardet-Biedl syndrome 1; plus strand). Cytogenetic location: 11q13.2.
Variant type: Insertion.
Identifiers: ClinVar variation 870297 (VCV000870297.1).